The following is an entry in ClinVar:

ClinVar aggregate classification (germline): Uncertain significance. Review status: criteria provided, multiple submitters, no conflicts (2 of 4 stars). 2 submissions from 2 submitters: Uncertain significance (2). Last evaluated 2024-10-01.

Conditions:
Inborn genetic diseases. Identifiers: MedGen C0950123, MeSH D030342.

Allele frequency attached by ClinVar (database versions not stated): gnomAD 0.00001; TOPMed 0.00002.
gnomAD v4.1: 8 of 1,614,064 alleles (0.0005%); highest among the groups gnomAD compares: Admixed American, 0.013%; no homozygotes.

Submissions (2):

Ambry Genetics
Classification: Uncertain significance for Inborn genetic diseases. Last evaluated: 2024-10-01. Review status: criteria provided, single submitter. Criteria: Ambry Variant Classification Scheme 2023. Collection method: clinical testing. Allele origin: germline.

Labcorp Genetics (formerly Invitae), Labcorp
Classification: Uncertain significance. Last evaluated: 2022-06-28. Review status: criteria provided, single submitter. Criteria: Invitae Variant Classification Sherloc (09022015). Collection method: clinical testing. Allele origin: germline.
Comment: This sequence change replaces leucine, which is neutral and non-polar, with isoleucine, which is neutral and non-polar, at codon 970 of the RAB3GAP1 protein (p.Leu970Ile). This variant is present in population databases (no rsID available, gnomAD 0.01%). This variant has not been reported in the literature in individuals affected with RAB3GAP1-related conditions. Algorithms developed to predict the effect of missense changes on protein structure and function are either unavailable or do not agree on the potential impact of this missense change (SIFT: "Deleterious"; PolyPhen-2: "Probably Damaging"; Align-GVGD: "Class C0"). In summary, the available evidence is currently insufficient to determine the role of this variant in disease. Therefore, it has been classified as a Variant of Uncertain Significance.

NM_012233.3(RAB3GAP1):c.2908C>A (p.Leu970Ile)

Gene: RAB3GAP1 (RAB3 GTPase activating protein catalytic subunit 1; plus strand). Cytogenetic location: 2q21.3.
Variant type: single nucleotide variant.
Coding change: c.2908C>A on transcript NM_012233.3 (MANE Select); coding-DNA position 2908, C replaced by A.
Protein change: p.Leu970Ile; replaces leucine 970 with isoleucine.
Molecular consequence: missense variant.
Genome position (GRCh38, 1-based): chr2:135,168,743, C>A. VCF-style: chr2-135168743-C-A. GRCh37 (hg19) VCF-style: chr2-135926313-C-A.
Other names: c.2929C>A, p.Leu977Ile (NM_001172435.2); c.2908C>A (NM_012233.2); short protein forms L970I, L977I.
Identifiers: ClinVar variation 2164345 (VCV002164345.4), dbSNP rs1380618506, ClinGen allele CA348589138.